The following is an entry in ClinVar:

NM_019112.4(ABCA7):c.1364C>T (p.Pro455Leu)

Gene: ABCA7 (ATP binding cassette subfamily A member 7; plus strand). Cytogenetic location: 19p13.3.
Variant type: single nucleotide variant.
Coding change: c.1364C>T on transcript NM_019112.4 (MANE Select); coding-DNA position 1364, C replaced by T.
Protein change: p.Pro455Leu; replaces proline 455 with leucine.
Molecular consequence: missense variant.
Genome position (GRCh38, 1-based): chr19:1,045,150, C>T. VCF-style: chr19-1045150-C-T. GRCh37 (hg19) VCF-style: chr19-1045149-C-T.
Other names: short protein forms P455L.
Identifiers: ClinVar variation 2585154 (VCV002585154.1), dbSNP rs574065692, ClinGen allele CA9033010.

ClinVar aggregate classification (germline): Uncertain significance (1 of 4 stars; one submission).

Conditions:
Alzheimer disease 9. Also called: ALZHEIMER DISEASE 9, LATE-ONSET; ALZHEIMER DISEASE 9, SUSCEPTIBILITY TO. Identifiers: MedGen C4282179, MONDO:0012153, OMIM 608907.

Allele frequency attached by ClinVar (database versions not stated): TOPMed 0.00001; gnomAD 0.00007; ExAC 0.00029; 1000 Genomes Project 30x 0.00031; 1000 Genomes Project 0.00040.

Submission:

Neuberg Centre For Genomic Medicine, NCGM
Classification: Uncertain significance for Alzheimer disease 9. Review status: criteria provided, single submitter. Criteria: ACMG Guidelines, 2015. Collection method: clinical testing. Allele origin: germline. Inheritance: Autosomal dominant inheritance. Affected: yes.
Comment: The missense c.1364C>T (p.Pro455Leu) variant in ABCA7gene has not been reported previously as a pathogenic variant nor as a benign variant, to our knowledge. This variant is reported with the allele frequency 0.03% in the gnomAD and novel in 1000 genome database. The amino acid Pro at position 455 is changed to a Leu changing protein sequence and it might alter its composition and physico-chemical properties. For these reasons, this variant has been classified as Uncertain Significance.